The following is an entry in ClinVar:

ClinVar aggregate classification (germline): Likely pathogenic. Review status: reviewed by expert panel (3 of 4 stars). 2 submissions from 2 submitters: Likely pathogenic (1). 1 of the submissions does not count toward it. Last evaluated 2025-02-11.

Conditions:
Bernard Soulier syndrome (BSS). Also called: BLEEDING DISORDER, PLATELET-TYPE, 1; PLATELET GLYCOPROTEIN Ib DEFICIENCY; VON WILLEBRAND FACTOR RECEPTOR DEFICIENCY; Platelet Glycoprotein 1b, Deficiency of; GLYCOPROTEIN Ib, PLATELET, DEFICIENCY OF; Giant platelet syndrome. Identifiers: Orphanet 274, MedGen C0005129, MeSH D001606, MONDO:0009276, OMIM 231200.

Allele frequency attached by ClinVar (database versions not stated): gnomAD exomes 0.00001.
gnomAD v4.1: 8 of 1,242,768 alleles (0.00064%); highest among the groups gnomAD compares: Non-Finnish European, 0.0007%; no homozygotes.

Submissions (2):

ClinGen Platelet Disorders Variant Curation Expert Panel, ClinGen
Classification: Likely pathogenic for Bernard Soulier syndrome. Last evaluated: 2025-02-11. Review status: reviewed by expert panel. Criteria: ClinGen Platelet ACMG Specifications GP1BB V1.0.0. Collection method: curation. Allele origin: germline. Inheritance: Autosomal recessive inheritance.
Comment: The c.406G>T (p.Glu136Ter) variant in GP1BB is a nonsense variant that may cause loss of function of the protein, however it is predicted to escape nonsense mediated decay and remove 34% (>10%) of the protein (PVS1_Strong). At least one patient (Patient 2 in PMID: 33217855) with this variant had impaired aggregation for ristocetin (aggregation in response to other agonists is not specifically mentioned). Additionally, this patient showed less than 10% expression of GPIba (0%) measured by flow cytometry, which is highly specific for Bernard-Soulier syndrome (PP4). Additionally, the patient had excessive mucocutaneous bleeding and macrothrombocytopenia which are consistent with Bernard-Soulier syndrome. The Grpmax filtering allele frequency in gnomaDv4.1 is 0.000002920 (based on 7/997364 alleles) in the European (non-Finnish) population, which is below the <0.0000651678 threshold for PM2_supporting. In summary, this variant meets the criteria to be classified as Likely Pathogenic for autosomal recessive Bernard-Soulier syndrome based on the ACMG/AMP criteria applied, as specified by the ClinGen PD VCEP: PVS1_Strong, PP4, PM3_Supporting and PM2_Supporting (VCEP specifications version 1).

Unidade de Genética Molecular, Centro Hospitalar Universitário do Porto
Classification: Likely pathogenic for Bernard Soulier syndrome. Last evaluated: 2022-05-02. Review status: no assertion criteria provided. Collection method: research. Allele origin: maternal. Inheritance: Autosomal dominant inheritance. Affected: yes. Observed: 1 heterozygote. Not counted in ClinVar's aggregate classification.

NM_000407.5(GP1BB):c.406G>T (p.Glu136Ter)

Genes: GP1BB (glycoprotein Ib platelet subunit beta; plus strand), SEPT5-GP1BB (SEPT5-GP1BB readthrough; plus strand). Cytogenetic location: 22q11.21.
Variant type: single nucleotide variant.
Coding change: c.406G>T on transcript NM_000407.5 (MANE Select); coding-DNA position 406, G replaced by T.
Protein change: p.Glu136Ter; replaces glutamic acid 136 with a stop codon.
Molecular consequence: nonsense. On other transcripts: non-coding transcript variant (2).
Genome position (GRCh38, 1-based): chr22:19,724,249, G>T. VCF-style: chr22-19724249-G-T. GRCh37 (hg19) VCF-style: chr22-19711772-G-T.
Other names: NM_000407.5(GP1BB):c.406G>T; p.Glu136Ter; short protein forms E136*.
Identifiers: ClinVar variation 1679210 (VCV001679210.3), dbSNP rs953345181, ClinGen allele CA322080037.
Genomic context (GRCh38, chr22:19,724,249, plus strand): 5'-CTGCGTTGCGTGGCGCCCCCAGCGCTGCGCGGCCGCCTGCTGCCCTATCTGGCCGAGGAC[G>T]AGCTGCGCGCCGCTTGCGCTCCCGGCCCGCTCTGCTGGGGGGCGCTGGCGGCGCAGCTTG-3'